The following is an entry in ClinVar:

NM_000186.4(CFH):c.1336+10C>A

Gene: CFH (complement factor H; plus strand). Cytogenetic location: 1q31.3.
Variant type: single nucleotide variant.
Coding change: c.1336+10C>A on transcript NM_000186.4 (MANE Select); 10 bases into the intron after coding-DNA position 1336, C replaced by A.
Molecular consequence: intron variant.
Genome position (GRCh38, 1-based): chr1:196,690,249, C>A. VCF-style: chr1-196690249-C-A. GRCh37 (hg19) VCF-style: chr1-196659379-C-A.
Other names: c.1336+10C>A (NM_001014975.3).
Identifiers: ClinVar variation 4291381 (VCV004291381.2).

ClinVar aggregate classification (germline): Likely benign (1 of 4 stars; one submission).

Conditions:
Age related macular degeneration 4. Identifiers: MedGen C1853147, MONDO:0012540, OMIM 610698.

gnomAD v4.1: 2 of 1,612,886 alleles (0.00012%); highest among the groups gnomAD compares: East Asian, 0.0045%; no homozygotes.

Submission:

Genomenon, Inc
Classification: Likely benign for Age related macular degeneration 4. Last evaluated: 2026-09-17. Review status: criteria provided, single submitter. Criteria: Genomenon Sequence Variant Interpretation Standards - Updated. Collection method: curation. Allele origin: germline. Affected: yes.
Comment: CFH c.1336+10C>A is an intronic variant located in intron 9. This variant has been observed in at least one proband affected with age-related macular degeneration (PMID: 18421087). It is absent or not present at a significant frequency in gnomAD. This variant is not predicted to impact splicing. In conclusion, we classify CFH c.1336+10C>A as a likely benign variant.

Literature cited by the submitters: PubMed 18421087.